The following is an entry in ClinVar:

NM_000260.4(MYO7A):c.2080C>A (p.Pro694Thr)

Gene: MYO7A (myosin VIIA; plus strand). Cytogenetic location: 11q13.5.
Variant type: single nucleotide variant.
Coding change: c.2080C>A on transcript NM_000260.4 (MANE Select); coding-DNA position 2080, C replaced by A.
Protein change: p.Pro694Thr; replaces proline 694 with threonine.
Molecular consequence: missense variant.
Genome position (GRCh38, 1-based): chr11:77,174,900, C>A. VCF-style: chr11-77174900-C-A. GRCh37 (hg19) VCF-style: chr11-76885946-C-A.
Other names: c.2080C>A, p.Pro694Thr (NM_001127180.2); c.2047C>A, p.Pro683Thr (NM_001369365.1); short protein forms P694T, P683T.
Identifiers: ClinVar variation 1347300 (VCV001347300.8), dbSNP rs2135425969, ClinGen allele CA381939534.
Genomic context (GRCh38, chr11:77,174,900, plus strand): 5'-ATCCGCTACAGCTTCGTAGAGTTTGTGGAGCGGTACCGTGTGCTGCTGCCAGGTGTGAAG[C>A]CGGCCTACAAGCAGGTACAGGGCTGAGTGCACAGAGGGCAGGAGGGGAGGGTCCCAGCTT-3'
Protein context (NP_000251.3, residues 684-704): RYRVLLPGVK[Pro694Thr]AYKQGDLRGT

ClinVar aggregate classification (germline): Uncertain significance (1 of 4 stars; one submission).

Submission:

Labcorp Genetics (formerly Invitae), Labcorp
Classification: Uncertain significance. Last evaluated: 2024-10-23. Review status: criteria provided, single submitter. Criteria: Invitae Variant Classification Sherloc (09022015). Collection method: clinical testing. Allele origin: germline.
Comment: This sequence change replaces proline, which is neutral and non-polar, with threonine, which is neutral and polar, at codon 694 of the MYO7A protein (p.Pro694Thr). This variant is not present in population databases (gnomAD no frequency). This variant has not been reported in the literature in individuals affected with MYO7A-related conditions. ClinVar contains an entry for this variant (Variation ID: 1347300). Invitae Evidence Modeling of protein sequence and biophysical properties (such as structural, functional, and spatial information, amino acid conservation, physicochemical variation, residue mobility, and thermodynamic stability) has been performed for this missense variant. However, the output from this modeling did not meet the statistical confidence thresholds required to predict the impact of this variant on MYO7A protein function. In summary, the available evidence is currently insufficient to determine the role of this variant in disease. Therefore, it has been classified as a Variant of Uncertain Significance.